The following is an entry in ClinVar:

ClinVar aggregate classification (germline): Uncertain significance (1 of 4 stars; one submission).

Conditions:
Familial thoracic aortic aneurysm and aortic dissection (TAAD). Also called: Thoracic aortic aneurysms and dissections. Identifiers: Orphanet 91387, MedGen C4707243, MONDO:0019625.
Hereditary cancer-predisposing syndrome. Also called: Hereditary Cancer Syndrome; Hereditary neoplastic syndrome; Neoplastic Syndromes, Hereditary; Tumor predisposition. Identifiers: Orphanet 140162, MedGen C0027672, MeSH D009386, MONDO:0015356.

Submission:

Ambry Genetics
Classification: Uncertain significance for Hereditary cancer-predisposing syndrome; Familial thoracic aortic aneurysm and aortic dissection. Last evaluated: 2026-07-31. Review status: criteria provided, single submitter. Criteria: Ambry Variant Classification Scheme 2023. Collection method: clinical testing. Allele origin: germline.
Comment: The p.H317R variant (also known as c.950A>G), located in coding exon 7 of the SMAD4 gene, results from an A to G substitution at nucleotide position 950. The histidine at codon 317 is replaced by arginine, an amino acid with highly similar properties. This amino acid position is highly conserved in available vertebrate species. In addition, this alteration is predicted to be deleterious by in silico analysis. Based on the available evidence, the clinical significance of this variant remains unclear.

NM_005359.6(SMAD4):c.950A>G (p.His317Arg)

Gene: SMAD4 (SMAD family member 4; plus strand). Cytogenetic location: 18q21.2.
Variant type: single nucleotide variant.
Coding change: c.950A>G on transcript NM_005359.6 (MANE Select); coding-DNA position 950, A replaced by G.
Protein change: p.His317Arg; replaces histidine 317 with arginine.
Molecular consequence: missense variant.
Genome position (GRCh38, 1-based): chr18:51,059,911, A>G. VCF-style: chr18-51059911-A-G. GRCh37 (hg19) VCF-style: chr18-48586281-A-G.
Other names: c.950A>G, p.His317Arg (NM_001407041.1, NM_001407042.1, NM_001407043.1); short protein forms H317R.
Identifiers: ClinVar variation 1767203 (VCV001767203.3), dbSNP rs2144433604, ClinGen allele CA402463757.